The following is an entry in ClinVar:

ClinVar aggregate classification (germline): Likely pathogenic (1 of 4 stars; one submission).

Conditions:
Hereditary factor XI deficiency disease. Also called: Congenital factor XI deficiency; PLASMA THROMBOPLASTIN ANTECEDENT DEFICIENCY; PTA DEFICIENCY; ROSENTHAL SYNDROME. Identifiers: Orphanet 329, MedGen C0015523, MeSH D005173, MONDO:0012897, OMIM 612416.

Submission:

ISTH-SSC Genomics in Thrombosis and Hemostasis, KU Leuven, Center for Molecular and Vascular Biology
Classification: Likely pathogenic for Hereditary factor XI deficiency disease. Review status: criteria provided, single submitter. Criteria: ACMG Guidelines, 2015. Collection method: clinical testing. Allele origin: germline. Affected: yes. Observed: 1 heterozygote.
Comment: Submitted to the GoldVariant database by Kathleen Freson, Center for Molecular and Vascular Biology

NM_000128.4(F11):c.325+1G>T

Gene: F11 (coagulation factor XI; plus strand). Cytogenetic location: 4q35.2.
Variant type: single nucleotide variant.
Coding change: c.325+1G>T on transcript NM_000128.4 (MANE Select); the canonical splice donor site of the intron after coding-DNA position 325, G replaced by T.
Molecular consequence: splice donor variant.
Genome position (GRCh38, 1-based): chr4:186,273,178, G>T. VCF-style: chr4-186273178-G-T. GRCh37 (hg19) VCF-style: chr4-187194332-G-T.
Other names: c.325+1G>T (NM_001354804.2).
Identifiers: ClinVar variation 2572153 (VCV002572153.1), dbSNP rs140190776, ClinGen allele CA358958376.